The following is an entry in ClinVar:

ClinVar aggregate classification (germline): Uncertain significance (1 of 4 stars; one submission).

Conditions:
Marfan syndrome (MFS). Also called: MARFAN SYNDROME, TYPE I; Marfan syndrome type 1; Marfan's syndrome; Marfan syndrome, classic; FBN1-Related Marfan Syndrome. Identifiers: Orphanet 284963, Orphanet 558, MedGen C0024796, MONDO:0007947, OMIM 154700.
Familial thoracic aortic aneurysm and aortic dissection (TAAD). Also called: Thoracic aortic aneurysms and dissections. Identifiers: Orphanet 91387, MedGen C4707243, MONDO:0019625.

Allele frequency attached by ClinVar (database versions not stated): ExAC 0.00001.

Submission:

Labcorp Genetics (formerly Invitae), Labcorp
Classification: Uncertain significance for Marfan syndrome; Familial thoracic aortic aneurysm and aortic dissection. Last evaluated: 2025-08-25. Review status: criteria provided, single submitter. Criteria: Invitae Variant Classification Sherloc (09022015). Collection method: clinical testing. Allele origin: germline.
Comment: This sequence change replaces proline, which is neutral and non-polar, with histidine, which is basic and polar, at codon 316 of the FBN1 protein (p.Pro316His). This variant is present in population databases (rs754353597, gnomAD 0.0009%). This variant has not been reported in the literature in individuals affected with FBN1-related conditions. ClinVar contains an entry for this variant (Variation ID: 2929241). Invitae Evidence Modeling of protein sequence and biophysical properties (such as structural, functional, and spatial information, amino acid conservation, physicochemical variation, residue mobility, and thermodynamic stability) indicates that this missense variant is expected to disrupt FBN1 protein function with a positive predictive value of 95%. In summary, the available evidence is currently insufficient to determine the role of this variant in disease. Therefore, it has been classified as a Variant of Uncertain Significance.

NM_000138.5(FBN1):c.947C>A (p.Pro316His)

Gene: FBN1 (fibrillin 1; minus strand). Cytogenetic location: 15q21.1.
Variant type: single nucleotide variant.
Coding change: c.947C>A on transcript NM_000138.5 (MANE Select); coding-DNA position 947, C replaced by A.
Protein change: p.Pro316His; replaces proline 316 with histidine.
Molecular consequence: missense variant.
Genome position (GRCh38, 1-based): chr15:48,526,171, G>T on the plus strand (C>A on the coding strand, the complement: FBN1 is on the minus strand). VCF-style: chr15-48526171-G-T. GRCh37 (hg19) VCF-style: chr15-48818368-G-T.
Other names: c.947C>A, p.Pro316His (NM_001406716.1); short protein forms P316H.
Identifiers: ClinVar variation 2929241 (VCV002929241.3), dbSNP rs754353597, ClinGen allele CA060387.
Genomic context (GRCh38, chr15:48,526,171, plus strand): 5'-TGTTTGTCATTAAACCTACCTATGCATCTGGTACCATCTGGAGAGGTGTAAAAACCAGGG[G>T]GACATTTGCAAAAGTAACTGCTGACTGTGTTTGTACATTCACCCCCTTCACAGATTCCAG-3'
Protein context (NP_000129.3, residues 306-326): NTVSSYFCKC[Pro316His]PGFYTSPDGT